The following is an entry in ClinVar:

ClinVar aggregate classification (germline): Pathogenic (1 of 4 stars; one submission).

Submission:

GeneDx
Classification: Pathogenic. Last evaluated: 2018-11-15. Review status: criteria provided, single submitter. Criteria: GeneDx Variant Classification (06012015). Collection method: clinical testing. Allele origin: germline. Affected: yes.
Comment: The E1339X nonsense variant in the BRWD3 gene is predicted to cause loss of normal protein function either through protein truncation or nonsense-mediated mRNA decay. The E1339X variant is not observed in large population cohorts (Lek et al., 2016).

NM_153252.5(BRWD3):c.4015G>T (p.Glu1339Ter)

Gene: BRWD3 (bromodomain and WD repeat domain containing 3; minus strand). Cytogenetic location: Xq21.1.
Variant type: single nucleotide variant.
Coding change: c.4015G>T on transcript NM_153252.5 (MANE Select); coding-DNA position 4015, G replaced by T.
Protein change: p.Glu1339Ter; replaces glutamic acid 1339 with a stop codon.
Molecular consequence: nonsense.
Genome position (GRCh38, 1-based): chrX:80,685,527, C>A on the plus strand (G>T on the coding strand, the complement: BRWD3 is on the minus strand). VCF-style: chrX-80685527-C-A. GRCh37 (hg19) VCF-style: chrX-79941026-C-A.
Other names: short protein forms E1339*.
Identifiers: ClinVar variation 620459 (VCV000620459.1), dbSNP rs1569245569, ClinGen allele CA413612661.